The following is an entry in ClinVar:

ClinVar aggregate classification (germline): Uncertain significance (1 of 4 stars; one submission).

Allele frequency attached by ClinVar (database versions not stated): gnomAD 0.00001.
gnomAD v4.1: 5 of 1,598,966 alleles (0.00031%); highest among the groups gnomAD compares: Non-Finnish European, 0.00043%; no homozygotes.

Submission:

Labcorp Genetics (formerly Invitae), Labcorp
Classification: Uncertain significance. Last evaluated: 2021-09-23. Review status: criteria provided, single submitter. Criteria: Invitae Variant Classification Sherloc (09022015). Collection method: clinical testing. Allele origin: germline.
Comment: This sequence change falls in intron 9 of the MECR gene. It does not directly change the encoded amino acid sequence of the MECR protein. It affects a nucleotide within the consensus splice site of the intron. This variant is not present in population databases (ExAC no frequency). This variant has not been reported in the literature in individuals affected with MECR-related conditions. Variants that disrupt the consensus splice site are a relatively common cause of aberrant splicing (PMID: 17576681, 9536098). Algorithms developed to predict the effect of sequence changes on RNA splicing suggest that this variant is not likely to affect RNA splicing. In summary, the available evidence is currently insufficient to determine the role of this variant in disease. Therefore, it has been classified as a Variant of Uncertain Significance.

Literature cited by the submitters: PubMed 17576681; PubMed 9536098.

NM_016011.5(MECR):c.965-3C>T

Gene: MECR (mitochondrial trans-2-enoyl-CoA reductase; minus strand). Cytogenetic location: 1p35.3.
Variant type: single nucleotide variant.
Coding change: c.965-3C>T on transcript NM_016011.5 (MANE Select); 3 bases into the intron before coding-DNA position 965, C replaced by T.
Molecular consequence: intron variant.
Genome position (GRCh38, 1-based): chr1:29,194,182, G>A on the plus strand (C>T on the coding strand, the complement: MECR is on the minus strand). VCF-style: chr1-29194182-G-A. GRCh37 (hg19) VCF-style: chr1-29520694-G-A.
Other names: c.815-3C>T (NM_001349717.2); c.737-3C>T (NM_001024732.4, NM_001349714.2, NM_001349712.2 and 2 more transcripts); c.1049-3C>T (NM_001349716.2); c.1070-3C>T (NM_001349715.2).
Identifiers: ClinVar variation 1473747 (VCV001473747.3), dbSNP rs377112889, ClinGen allele CA20034034.